The following is an entry in ClinVar:

ClinVar aggregate classification (germline): Benign/Likely benign. Review status: criteria provided, multiple submitters, no conflicts (2 of 4 stars). 4 submissions from 4 submitters: Benign (1); Likely benign (2). 1 of the submissions does not count toward it. Last evaluated 2025-10-23.

Conditions:
DHX38-related disorder. Also called: DHX38-related condition.

Allele frequency attached by ClinVar (database versions not stated): gnomAD 0.00004 and 0.00016; TOPMed 0.00005; ESP Exome Variant Server 0.00008; gnomAD exomes 0.00032 and 0.00055; ExAC 0.00070; 1000 Genomes Project 30x 0.00094; 1000 Genomes Project 0.00100.
gnomAD v4.1: 485 of 1,614,120 alleles (0.03%); highest among the groups gnomAD compares: South Asian, 0.43%; 4 homozygotes.

Submissions (4):

Labcorp Genetics (formerly Invitae), Labcorp
Classification: Benign. Last evaluated: 2025-10-23. Review status: criteria provided, single submitter. Criteria: Invitae Variant Classification Sherloc (09022015). Collection method: clinical testing. Allele origin: germline.

CeGaT Center for Human Genetics Tuebingen
Classification: Likely benign. Last evaluated: 2025-04-01. Review status: criteria provided, single submitter. Criteria: CeGaT Center For Human Genetics Tuebingen Variant Classification Criteria Version 2. Collection method: clinical testing. Allele origin: germline. Affected: yes. Observed: 1 variant allele.
Comment: DHX38: BP4, BP7

Blueprint Genetics
Classification: Likely benign. Last evaluated: 2024-10-09. Review status: criteria provided, single submitter. Criteria: ACMG Guidelines, 2015. Collection method: clinical testing. Allele origin: germline.

PreventionGenetics, part of Exact Sciences
Classification: Likely benign for DHX38-related condition. Last evaluated: 2023-05-25. Review status: no assertion criteria provided. Collection method: clinical testing. Allele origin: germline. Not counted in ClinVar's aggregate classification.
Comment: This variant is classified as likely benign based on ACMG/AMP sequence variant interpretation guidelines (Richards et al. 2015 PMID: 25741868, with internal and published modifications).

NM_014003.4(DHX38):c.2067G>A (p.Ala689=)

Gene: DHX38 (DEAH-box helicase 38; plus strand). Cytogenetic location: 16q22.2.
Variant type: single nucleotide variant.
Coding change: c.2067G>A on transcript NM_014003.4 (MANE Select); coding-DNA position 2067, G replaced by A.
Protein change: p.Ala689=; no amino-acid change (alanine 689 retained).
Molecular consequence: synonymous variant.
Genome position (GRCh38, 1-based): chr16:72,104,542, G>A. VCF-style: chr16-72104542-G-A. GRCh37 (hg19) VCF-style: chr16-72138441-G-A.
Other names: c.2067G>A (NM_014003.3).
Identifiers: ClinVar variation 1170178 (VCV001170178.19), dbSNP rs199994362, ClinGen allele CA8160511.